The following is an entry in ClinVar:

NM_001350605.2(SRSF11):c.1407A>T (p.Lys469Asn)

Gene: SRSF11 (serine and arginine rich splicing factor 11; plus strand). Cytogenetic location: 1p31.1.
Variant type: single nucleotide variant.
Coding change: c.1407A>T on transcript NM_001350605.2 (MANE Select); coding-DNA position 1407, A replaced by T.
Protein change: p.Lys469Asn; replaces lysine 469 with asparagine.
Molecular consequence: missense variant. On other transcripts: non-coding transcript variant (1).
Genome position (GRCh38, 1-based): chr1:70,250,757, A>T. VCF-style: chr1-70250757-A-T. GRCh37 (hg19) VCF-style: chr1-70716440-A-T.
Other names: c.1404A>T, p.Lys468Asn (NM_001190987.3, NM_001350607.2, NM_001394407.1 and 1 more transcripts); c.1407A>T, p.Lys469Asn (NM_001350606.2, NM_001394406.1, NM_004768.5); c.1428A>T, p.Lys476Asn (NM_001350608.2, NM_001394404.1); c.1425A>T, p.Lys475Asn (NM_001350609.2, NM_001394405.1); c.858A>T, p.Lys286Asn (NM_001350610.2); c.855A>T, p.Lys285Asn (NM_001350611.2); c.837A>T, p.Lys279Asn (NM_001350612.2, NM_001350613.2); c.834A>T, p.Lys278Asn (NM_001350614.2, NM_001350615.2, NM_001350616.2); and 1 more; short protein forms K278N, K279N, K285N, K286N, K468N, K469N, K475N, K476N.
Identifiers: ClinVar variation 3048996 (VCV003048996.2), dbSNP rs1384387111, ClinGen allele CA340779055.

ClinVar aggregate classification (germline): Uncertain significance (0 of 4 stars; one submission).

Conditions:
SRSF11-related disorder. Also called: SRSF11-related condition.

Submission:

PreventionGenetics, part of Exact Sciences
Classification: Uncertain significance for SRSF11-related condition. Last evaluated: 2023-12-13. Review status: no assertion criteria provided. Collection method: clinical testing. Allele origin: germline.
Comment: The SRSF11 c.1404A>T variant is predicted to result in the amino acid substitution p.Lys468Asn. To our knowledge, this variant has not been reported in the literature or in a large population database, indicating this variant is rare. At this time, the clinical significance of this variant is uncertain due to the absence of conclusive functional and genetic evidence.